The following is an entry in ClinVar:

ClinVar aggregate classification (germline): Uncertain significance. Review status: criteria provided, multiple submitters, no conflicts (2 of 4 stars). 2 submissions from 2 submitters: Uncertain significance (2). Last evaluated 2025-09-11.

Conditions:
Hereditary cancer-predisposing syndrome. Also called: Neoplastic Syndromes, Hereditary; Tumor predisposition; Hereditary neoplastic syndrome; Hereditary Cancer Syndrome. Identifiers: Orphanet 140162, MedGen C0027672, MeSH D009386, MONDO:0015356.
Bloom syndrome (BLM). Also called: Bloom-Torre-Machacek syndrome. Identifiers: Orphanet 125, MedGen C0005859, MONDO:0008876, OMIM 210900.

Submissions (2):

Ambry Genetics
Classification: Uncertain significance for Hereditary cancer-predisposing syndrome. Last evaluated: 2025-09-11. Review status: criteria provided, single submitter. Criteria: Ambry Variant Classification Scheme 2023. Collection method: clinical testing. Allele origin: germline.
Comment: The p.V705L variant (also known as c.2113G>C), located in coding exon 8 of the BLM gene, results from a G to C substitution at nucleotide position 2113. The valine at codon 705 is replaced by leucine, an amino acid with highly similar properties. This amino acid position is conserved. In addition, this alteration is predicted to be tolerated by in silico analysis. Based on the available evidence, the clinical significance of this variant remains unclear.

Labcorp Genetics (formerly Invitae), Labcorp
Classification: Uncertain significance for Bloom syndrome. Last evaluated: 2022-12-03. Review status: criteria provided, single submitter. Criteria: Invitae Variant Classification Sherloc (09022015). Collection method: clinical testing. Allele origin: germline.
Comment: This sequence change replaces valine, which is neutral and non-polar, with leucine, which is neutral and non-polar, at codon 705 of the BLM protein (p.Val705Leu). In summary, the available evidence is currently insufficient to determine the role of this variant in disease. Therefore, it has been classified as a Variant of Uncertain Significance. Advanced modeling of protein sequence and biophysical properties (such as structural, functional, and spatial information, amino acid conservation, physicochemical variation, residue mobility, and thermodynamic stability) performed at Invitae indicates that this missense variant is not expected to disrupt BLM protein function. ClinVar contains an entry for this variant (Variation ID: 663087). This variant has not been reported in the literature in individuals affected with BLM-related conditions. This variant is not present in population databases (gnomAD no frequency).

NM_000057.4(BLM):c.2113G>C (p.Val705Leu)

Gene: BLM (BLM RecQ like helicase; plus strand). Cytogenetic location: 15q26.1.
Variant type: single nucleotide variant.
Coding change: c.2113G>C on transcript NM_000057.4 (MANE Select); coding-DNA position 2113, G replaced by C.
Protein change: p.Val705Leu; replaces valine 705 with leucine.
Molecular consequence: missense variant.
Genome position (GRCh38, 1-based): chr15:90,765,334, G>C. VCF-style: chr15-90765334-G-C. GRCh37 (hg19) VCF-style: chr15-91308564-G-C.
Other names: c.2113G>C, p.Val705Leu (NM_001287246.2, NM_001287247.2); c.988G>C, p.Val330Leu (NM_001287248.2); c.2113G>C (NM_000057.2); short protein forms V705L, V330L.
Identifiers: ClinVar variation 663087 (VCV000663087.10), dbSNP rs767321886, ClinGen allele CA274740692.